The following is an entry in ClinVar:

ClinVar aggregate classification (germline): Uncertain significance. Review status: criteria provided, single submitter (1 of 4 stars). 2 submissions from 1 submitter: Uncertain significance (2). Last evaluated 2016-01-01.

Conditions:
Intellectual developmental disorder, autosomal dominant 30, with speech delay and behavioral abnormalities. Also called: Intellectual disability, autosomal dominant 30. Identifiers: Orphanet 436151, MedGen C4015167, MONDO:0014486, OMIM 616083.
Decreased body weight. Identifiers: MedGen C5574742, HP:0004325.
Self-mutilation. Identifiers: MedGen C0036601, HP:0000742.
Chronic constipation. Identifiers: MedGen C0401149, HP:0012450.
Absent speech. Also called: Absent speech development. Identifiers: MedGen C1854882, HP:0001344.
Motor delay. Also called: Motor Developmental Delay; Motor retardation. Identifiers: MedGen C1854301, HP:0001270.
Self-injurious behavior. Identifiers: MedGen C0085271, HP:0100716.

Allele frequency attached by ClinVar (database versions not stated): gnomAD exomes below 0.00001.
gnomAD v4.1: 1 of 1,614,066 alleles (0.000062%); highest among the groups gnomAD compares: Admixed American, 0.0017%; no homozygotes.

Submissions (2):

Centre for Mendelian Genomics, University Medical Centre Ljubljana
Classification: Uncertain significance for Intellectual developmental disorder, autosomal dominant 30, with speech delay and behavioral abnormalities. Last evaluated: 2016-01-01. Review status: criteria provided, single submitter. Criteria: ACMG Guidelines, 2015. Collection method: clinical testing. Allele origin: unknown. Affected: yes.
Comment: This variant was classified as: Uncertain significance.

Centre for Mendelian Genomics, University Medical Centre Ljubljana
Classification: Uncertain significance for Absent speech; Chronic constipation; Decreased body weight; Motor delay; Self-injurious behavior; Self-mutilation. Last evaluated: 2015-12-03. Review status: criteria provided, single submitter. Criteria: ACMG Guidelines, 2015. Collection method: clinical testing. Allele origin: unknown. Affected: yes.

NM_001370100.5(ZMYND11):c.1294G>A (p.Glu432Lys)

Genes: ZMYND11 (zinc finger MYND-type containing 11; plus strand), LOC126860802 (BRD4-independent group 4 enhancer GRCh37_chr10:294268-295467; plus strand). Cytogenetic location: 10p15.3.
Variant type: single nucleotide variant.
Coding change: c.1294G>A on transcript NM_001370100.5 (MANE Select); coding-DNA position 1294, G replaced by A.
Protein change: p.Glu432Lys; replaces glutamic acid 432 with lysine.
Molecular consequence: missense variant. On other transcripts: non-coding transcript variant (1).
Genome position (GRCh38, 1-based): chr10:248,402, G>A. VCF-style: chr10-248402-G-A. GRCh37 (hg19) VCF-style: chr10-294342-G-A.
Other names: c.1132G>A, p.Glu378Lys (NM_001370104.2, NM_001370105.2, NM_001370106.2 and 6 more transcripts); c.1039G>A, p.Glu347Lys (NM_001370110.2, NM_001202465.3); c.1129G>A, p.Glu377Lys (NM_001370111.2, NM_001202466.3); c.1243G>A, p.Glu415Lys (NM_001370112.2, NM_001330057.3); c.1201G>A, p.Glu401Lys (NM_001370113.2, NM_001370114.2); c.1294G>A, p.Glu432Lys (NM_001202468.1, NM_001370097.3, NM_001370098.2 and 4 more transcripts); c.1291G>A, p.Glu431Lys (NM_001370115.2, NM_212479.4); c.1228G>A, p.Glu410Lys (NM_001370116.2); and 8 more; short protein forms E432K, E275K, E338K, E347K, E401K, E330K, E356K, E410K.
Identifiers: ClinVar variation 373990 (VCV000373990.4), dbSNP rs1057518819, ClinGen allele CA16043447.